The following is an entry in ClinVar:

ClinVar aggregate classification (germline): Benign. Review status: criteria provided, multiple submitters, no conflicts (2 of 4 stars). 3 submissions from 3 submitters: Benign (3). Last evaluated 2024-07-15.

Allele frequency attached by ClinVar (database versions not stated): 1000 Genomes Project 0.35823; 1000 Genomes Project 30x 0.36040; TOPMed 0.46606; gnomAD 0.47402 and 0.47908; gnomAD exomes 0.55907.
gnomAD v4.1: 886,148 of 1,611,550 alleles (55%); highest among the groups gnomAD compares: Admixed American, 60%; 253,933 homozygotes.

Submissions (3):

Unidad de Genómica Garrahan, Hospital de Pediatría Garrahan
Classification: Benign. Last evaluated: 2024-07-15. Review status: criteria provided, single submitter. Criteria: ACMG Guidelines, 2015. Collection method: clinical testing. Allele origin: germline. Affected: no. Observed: 80 variant alleles.
Comment: This variant is classified as Benign based on local population frequency. This variant was detected in 86% of patients studied in a panel designed for Epileptic and Developmental Encephalopathy and Progressive Myoclonus Epilepsy. Number of patients: 80. Only high quality variants are reported.

GeneDx
Classification: Benign. Last evaluated: 2018-06-24. Review status: criteria provided, single submitter. Criteria: GeneDx Variant Classification Process June 2021. Collection method: clinical testing. Allele origin: germline. Affected: yes.

Breakthrough Genomics
Classification: Benign. Review status: criteria provided, single submitter. Criteria: ACMG Guidelines, 2015. Collection method: not provided. Allele origin: germline. Inheritance: Autosomal dominant inheritance. Affected: yes.

NM_002473.6(MYH9):c.1012+56C>T

Gene: MYH9 (myosin heavy chain 9; minus strand). Cytogenetic location: 22q12.3.
Variant type: single nucleotide variant.
Coding change: c.1012+56C>T on transcript NM_002473.6 (MANE Select); 56 bases into the intron after coding-DNA position 1012, C replaced by T.
Molecular consequence: intron variant.
Genome position (GRCh38, 1-based): chr22:36,320,164, G>A on the plus strand (C>T on the coding strand, the complement: MYH9 is on the minus strand). VCF-style: chr22-36320164-G-A. GRCh37 (hg19) VCF-style: chr22-36716209-G-A.
Identifiers: ClinVar variation 1289525 (VCV001289525.5), dbSNP rs3752463, ClinGen allele CA14967846.
Genomic context (GRCh38, chr22:36,320,164, plus strand): 5'-CCTTCCCCTGGCCTCTAGCAGGCTCCCCAGGCCCATCGGCTACCCTGATGCCCCGAGGCC[G>A]TGGGTACCAGCCTTCCTCTGCCCCACACTCGACCATAGGAGGGCCAGCCCTGTACCCATT-3'